The following is an entry in ClinVar:

ClinVar aggregate classification (germline): Uncertain significance (1 of 4 stars; one submission).

Submission:

Labcorp Genetics (formerly Invitae), Labcorp
Classification: Uncertain significance. Last evaluated: 2023-11-27. Review status: criteria provided, single submitter. Criteria: Invitae Variant Classification Sherloc (09022015). Collection method: clinical testing. Allele origin: germline.
Comment: This sequence change replaces valine, which is neutral and non-polar, with leucine, which is neutral and non-polar, at codon 572 of the CNGB1 protein (p.Val572Leu). This variant is not present in population databases (gnomAD no frequency). This variant has not been reported in the literature in individuals affected with CNGB1-related conditions. ClinVar contains an entry for this variant (Variation ID: 2004461). Advanced modeling of protein sequence and biophysical properties (such as structural, functional, and spatial information, amino acid conservation, physicochemical variation, residue mobility, and thermodynamic stability) performed at Invitae indicates that this missense variant is not expected to disrupt CNGB1 protein function with a negative predictive value of 80%. In summary, the available evidence is currently insufficient to determine the role of this variant in disease. Therefore, it has been classified as a Variant of Uncertain Significance.

NM_001297.5(CNGB1):c.1714G>T (p.Val572Leu)

Gene: CNGB1 (cyclic nucleotide gated channel subunit beta 1; minus strand). Cytogenetic location: 16q21.
Variant type: single nucleotide variant.
Coding change: c.1714G>T on transcript NM_001297.5 (MANE Select); coding-DNA position 1714, G replaced by T.
Protein change: p.Val572Leu; replaces valine 572 with leucine.
Molecular consequence: missense variant.
Genome position (GRCh38, 1-based): chr16:57,920,474, C>A on the plus strand (G>T on the coding strand, the complement: CNGB1 is on the minus strand). VCF-style: chr16-57920474-C-A. GRCh37 (hg19) VCF-style: chr16-57954378-C-A.
Other names: c.1696G>T, p.Val566Leu (NM_001286130.2); short protein forms V566L, V572L.
Identifiers: ClinVar variation 2004461 (VCV002004461.4), dbSNP rs2544636584, ClinGen allele CA396066672.